The following is an entry in ClinVar:

NM_000059.4(BRCA2):c.2671G>T (p.Val891Phe)

Gene: BRCA2 (BRCA2 DNA repair associated; plus strand). Cytogenetic location: 13q13.1.
Variant type: single nucleotide variant.
Coding change: c.2671G>T on transcript NM_000059.4 (MANE Select); coding-DNA position 2671, G replaced by T.
Protein change: p.Val891Phe; replaces valine 891 with phenylalanine.
Molecular consequence: missense variant. On other transcripts: non-coding transcript variant (1), intron variant (2).
Genome position (GRCh38, 1-based): chr13:32,337,026, G>T. VCF-style: chr13-32337026-G-T. GRCh37 (hg19) VCF-style: chr13-32911163-G-T.
Other names: c.2671G>T, p.Val891Phe (NM_001406719.1, NM_001406720.1, NM_001432077.1); c.1909+3639G>T (NM_001406721.1); c.424+5996G>T (NM_001406722.1); short protein forms V891F.
Identifiers: ClinVar variation 3825393 (VCV003825393.1).

ClinVar aggregate classification (germline): Uncertain significance (1 of 4 stars; one submission).

Conditions:
Hereditary cancer-predisposing syndrome. Also called: Hereditary neoplastic syndrome; Neoplastic Syndromes, Hereditary; Tumor predisposition; Hereditary Cancer Syndrome. Identifiers: Orphanet 140162, MedGen C0027672, MeSH D009386, MONDO:0015356.

Submission:

Ambry Genetics
Classification: Uncertain significance for Hereditary cancer-predisposing syndrome. Last evaluated: 2025-01-10. Review status: criteria provided, single submitter. Criteria: Ambry Variant Classification Scheme 2023. Collection method: clinical testing. Allele origin: germline.
Comment: The p.V891F variant (also known as c.2671G>T), located in coding exon 10 of the BRCA2 gene, results from a G to T substitution at nucleotide position 2671. The valine at codon 891 is replaced by phenylalanine, an amino acid with highly similar properties. This amino acid position is not well conserved in available vertebrate species. In addition, the in silico prediction for this alteration is inconclusive. Based on the available evidence, the clinical significance of this variant remains unclear.